The following is an entry in ClinVar:

ClinVar aggregate classification (germline): Uncertain significance. Review status: criteria provided, multiple submitters, no conflicts (2 of 4 stars). 3 submissions from 3 submitters: Uncertain significance (3). Last evaluated 2025-01-20.

Conditions:
Developmental and epileptic encephalopathy, 18 (DEE18). Also called: Early infantile epileptic encephalopathy 18. Identifiers: Orphanet 369894, MedGen C3809624, MONDO:0014201, OMIM 615476.
Inborn genetic diseases. Identifiers: MedGen C0950123, MeSH D030342.

Allele frequency attached by ClinVar (database versions not stated): gnomAD 0.00001 and 0.00002; TOPMed 0.00001; 1000 Genomes Project 30x 0.00016; 1000 Genomes Project 0.00020.
gnomAD v4.1: 11 of 1,553,496 alleles (0.00071%); highest among the groups gnomAD compares: East Asian, 0.0024%; no homozygotes.

Submissions (3):

Labcorp Genetics (formerly Invitae), Labcorp
Classification: Uncertain significance. Last evaluated: 2025-01-20. Review status: criteria provided, single submitter. Criteria: Invitae Variant Classification Sherloc (09022015). Collection method: clinical testing. Allele origin: germline.
Comment: This sequence change replaces arginine, which is basic and polar, with glutamine, which is neutral and polar, at codon 3210 of the SZT2 protein (p.Arg3210Gln). This variant is present in population databases (rs558634467, gnomAD 0.008%). This variant has not been reported in the literature in individuals affected with SZT2-related conditions. ClinVar contains an entry for this variant (Variation ID: 640200). Invitae Evidence Modeling of protein sequence and biophysical properties (such as structural, functional, and spatial information, amino acid conservation, physicochemical variation, residue mobility, and thermodynamic stability) indicates that this missense variant is not expected to disrupt SZT2 protein function with a negative predictive value of 80%. In summary, the available evidence is currently insufficient to determine the role of this variant in disease. Therefore, it has been classified as a Variant of Uncertain Significance.

Genome-Nilou Lab
Classification: Uncertain significance for Developmental and epileptic encephalopathy, 18. Last evaluated: 2023-04-11. Review status: criteria provided, single submitter. Criteria: ACMG Guidelines, 2015. Collection method: clinical testing. Allele origin: germline. Affected: no.

Ambry Genetics
Classification: Uncertain significance for Inborn genetic diseases. Last evaluated: 2018-12-06. Review status: criteria provided, single submitter. Criteria: Ambry Variant Classification Scheme 2023. Collection method: clinical testing. Allele origin: germline.
Comment: The p.R3210Q variant (also known as c.9629G>A), located in coding exon 68 of the SZT2 gene, results from a G to A substitution at nucleotide position 9629. The arginine at codon 3210 is replaced by glutamine, an amino acid with highly similar properties. This amino acid position is not well conserved in available vertebrate species. In addition, this alteration is predicted to be tolerated by in silico analysis. Since supporting evidence is limited at this time, the clinical significance of this alteration remains unclear.

NM_001365999.1(SZT2):c.9800G>A (p.Arg3267Gln)

Genes: SZT2 (SZT2 subunit of KICSTOR complex; plus strand), SZT2-AS1 (SZT2 antisense RNA 1; minus strand). Cytogenetic location: 1p34.2.
Variant type: single nucleotide variant.
Coding change: c.9800G>A on transcript NM_001365999.1 (MANE Select); coding-DNA position 9800, G replaced by A.
Protein change: p.Arg3267Gln; replaces arginine 3267 with glutamine.
Molecular consequence: missense variant. On other transcripts: non-coding transcript variant (1).
Genome position (GRCh38, 1-based): chr1:43,448,315, G>A. VCF-style: chr1-43448315-G-A. GRCh37 (hg19) VCF-style: chr1-43913986-G-A.
Other names: c.9629G>A, p.Arg3210Gln (NM_015284.4); short protein forms R3210Q, R3267Q.
Identifiers: ClinVar variation 640200 (VCV000640200.9), dbSNP rs558634467, ClinGen allele CA21653357.